The following is an entry in ClinVar:

NM_138713.4(NFAT5):c.409G>A (p.Val137Ile)

Gene: NFAT5 (nuclear factor of activated T cells 5; plus strand). Cytogenetic location: 16q22.1.
Variant type: single nucleotide variant.
Coding change: c.409G>A on transcript NM_138713.4 (MANE Select); coding-DNA position 409, G replaced by A.
Protein change: p.Val137Ile; replaces valine 137 with isoleucine.
Molecular consequence: missense variant. On other transcripts: intron variant (1).
Genome position (GRCh38, 1-based): chr16:69,647,183, G>A. VCF-style: chr16-69647183-G-A. GRCh37 (hg19) VCF-style: chr16-69681086-G-A.
Other names: c.409G>A, p.Val137Ile (NM_001113178.3); c.355G>A, p.Val119Ile (NM_006599.4); c.127G>A, p.Val43Ile (NM_138714.4, NM_173214.3, NM_173215.3); c.140+16G>A (NM_001367709.1); c.409G>A (NM_138713.3); short protein forms V119I, V43I, V137I.
Identifiers: ClinVar variation 957855 (VCV000957855.8), dbSNP rs1379586467, ClinGen allele CA396483902.

ClinVar aggregate classification (germline): Uncertain significance. Review status: criteria provided, multiple submitters, no conflicts (2 of 4 stars). 2 submissions from 2 submitters: Uncertain significance (2). Last evaluated 2023-03-08.

Conditions:
Immunodeficiency. Identifiers: MedGen C0021051, MONDO:0021094, HP:0002721.

Allele frequency attached by ClinVar (database versions not stated): TOPMed 0.00001; gnomAD exomes 0.00003.

Submissions (2):

Labcorp Genetics (formerly Invitae), Labcorp
Classification: Uncertain significance for Immunodeficiency. Last evaluated: 2023-03-08. Review status: criteria provided, single submitter. Criteria: Invitae Variant Classification Sherloc (09022015). Collection method: clinical testing. Allele origin: germline.
Comment: In summary, the available evidence is currently insufficient to determine the role of this variant in disease. Therefore, it has been classified as a Variant of Uncertain Significance. An algorithm developed to predict the effect of missense changes on protein structure and function (PolyPhen-2) suggests that this variant is likely to be disruptive. ClinVar contains an entry for this variant (Variation ID: 957855). This variant has not been reported in the literature in individuals affected with NFAT5-related conditions. This variant is present in population databases (no rsID available, gnomAD 0.004%). This sequence change replaces valine, which is neutral and non-polar, with isoleucine, which is neutral and non-polar, at codon 43 of the NFAT5 protein (p.Val43Ile).

Ambry Genetics
Classification: Uncertain significance. Last evaluated: 2022-10-06. Review status: criteria provided, single submitter. Criteria: Ambry Variant Classification Scheme 2023. Collection method: clinical testing. Allele origin: germline.